The following is an entry in ClinVar:

NM_001077207.4(SEC31A):c.1457G>A (p.Arg486His)

Gene: SEC31A (SEC31 homolog A, COPII coat complex component; minus strand). Cytogenetic location: 4q21.22.
Variant type: single nucleotide variant.
Coding change: c.1457G>A on transcript NM_001077207.4 (MANE Select); coding-DNA position 1457, G replaced by A.
Protein change: p.Arg486His; replaces arginine 486 with histidine.
Molecular consequence: missense variant.
Genome position (GRCh38, 1-based): chr4:82,863,370, C>T on the plus strand (G>A on the coding strand, the complement: SEC31A is on the minus strand). VCF-style: chr4-82863370-C-T. GRCh37 (hg19) VCF-style: chr4-83784523-C-T.
Other names: NM_014933.3:c.1457G>A; c.1457G>A, p.Arg486His (NM_001077206.4, NM_001077208.4, NM_001300744.3 and 48 more transcripts); c.1442G>A, p.Arg481His (NM_001191049.2, NM_001400212.1, NM_001400214.1); c.1295G>A, p.Arg432His (NM_001400215.1); c.983G>A, p.Arg328His (NM_001400224.1); short protein forms R328H, R432H, R481H, R486H.
Identifiers: ClinVar variation 1703168 (VCV001703168.4), dbSNP rs747030120, ClinGen allele CA2986603.

ClinVar aggregate classification (germline): Uncertain significance. Review status: criteria provided, multiple submitters, no conflicts (2 of 4 stars). 2 submissions from 2 submitters: Uncertain significance (2). Last evaluated 2024-10-01.

gnomAD v4.1: 71 of 1,576,386 alleles (0.0045%); highest among the groups gnomAD compares: Admixed American, 0.046%; no homozygotes.

Submissions (2):

Ambry Genetics
Classification: Uncertain significance. Last evaluated: 2024-10-01. Review status: criteria provided, single submitter. Criteria: Ambry Variant Classification Scheme 2023. Collection method: clinical testing. Allele origin: germline.

Greenwood Genetic Center Diagnostic Laboratories, Greenwood Genetic Center
Classification: Uncertain significance. Last evaluated: 2022-04-27. Review status: criteria provided, single submitter. Criteria: ACMG Guidelines, 2015. Collection method: clinical testing. Allele origin: germline. Affected: yes.
Comment: PM2